The following is an entry in ClinVar:

ClinVar aggregate classification (germline): Likely benign (0 of 4 stars; one submission).

Conditions:
UBR4-related disorder. Also called: UBR4-related condition.

Allele frequency attached by ClinVar (database versions not stated): gnomAD exomes 0.00007; ExAC 0.00012; 1000 Genomes Project 30x 0.00016; gnomAD 0.00017; TOPMed 0.00017; 1000 Genomes Project 0.00020; ESP Exome Variant Server 0.00031.
gnomAD v4.1: 132 of 1,614,176 alleles (0.0082%); highest among the groups gnomAD compares: African/African-American, 0.031%; no homozygotes.

Submission:

PreventionGenetics, part of Exact Sciences
Classification: Likely benign for UBR4-related condition. Last evaluated: 2019-03-15. Review status: no assertion criteria provided. Collection method: clinical testing. Allele origin: germline.
Comment: This variant is classified as likely benign based on ACMG/AMP sequence variant interpretation guidelines (Richards et al. 2015 PMID: 25741868, with internal and published modifications).

NM_020765.3(UBR4):c.14904C>T (p.Phe4968=)

Gene: UBR4 (ubiquitin protein ligase E3 component n-recognin 4; minus strand). Cytogenetic location: 1p36.13.
Variant type: single nucleotide variant.
Coding change: c.14904C>T on transcript NM_020765.3 (MANE Select); coding-DNA position 14904, C replaced by T.
Protein change: p.Phe4968=; no amino-acid change (phenylalanine 4968 retained).
Molecular consequence: synonymous variant.
Genome position (GRCh38, 1-based): chr1:19,084,608, G>A on the plus strand (C>T on the coding strand, the complement: UBR4 is on the minus strand). VCF-style: chr1-19084608-G-A. GRCh37 (hg19) VCF-style: chr1-19411102-G-A.
Identifiers: ClinVar variation 3057938 (VCV003057938.2), dbSNP rs114177080, ClinGen allele CA648088.